The following is an entry in ClinVar:

NM_001040108.2(MLH3):c.268T>C (p.Tyr90His)

Gene: MLH3 (mutL homolog 3; minus strand). Cytogenetic location: 14q24.3.
Variant type: single nucleotide variant.
Coding change: c.268T>C on transcript NM_001040108.2 (MANE Select); coding-DNA position 268, T replaced by C.
Protein change: p.Tyr90His; replaces tyrosine 90 with histidine.
Molecular consequence: missense variant.
Genome position (GRCh38, 1-based): chr14:75,049,388, A>G on the plus strand (T>C on the coding strand, the complement: MLH3 is on the minus strand). VCF-style: chr14-75049388-A-G. GRCh37 (hg19) VCF-style: chr14-75516091-A-G.
Other names: c.268T>C, p.Tyr90His (NM_014381.3); short protein forms Y90H.
Identifiers: ClinVar variation 3873489 (VCV003873489.1).
Genomic context (GRCh38, chr14:75,049,388, plus strand): 5'-AAATTTCCACAGCACTGGCCATGTCAGCAATATTTGCCAAGGCCTCTCCTCGGAAACCAT[A>G]AAACCTTGGATTCTCCAAGTCCTGTACCGAGTGGCATTTACTGGTGAAATAACGATTTCC-3'
Protein context (NP_001035197.1, residues 80-100): SVQDLENPRF[Tyr90His]GFRGEALANI

ClinVar aggregate classification (germline): Uncertain significance (1 of 4 stars; one submission).

Submission:

Ambry Genetics
Classification: Uncertain significance. Last evaluated: 2025-01-05. Review status: criteria provided, single submitter. Criteria: Ambry Variant Classification Scheme 2023. Collection method: clinical testing. Allele origin: germline.
Comment: The p.Y90H variant (also known as c.268T>C), located in coding exon 1 of the MLH3 gene, results from a T to C substitution at nucleotide position 268. The tyrosine at codon 90 is replaced by histidine, an amino acid with similar properties. This amino acid position is conserved. In addition, the in silico prediction for this alteration is inconclusive. Based on the available evidence, the clinical significance of this variant remains unclear.